The following is an entry in ClinVar:

ClinVar aggregate classification (germline): Conflicting classifications of pathogenicity. Review status: criteria provided, conflicting classifications (1 of 4 stars). 3 submissions from 3 submitters: Uncertain significance (2); Likely benign (1). Last evaluated 2026-01-18.

Conditions:
Hereditary cancer-predisposing syndrome. Also called: Hereditary Cancer Syndrome; Neoplastic Syndromes, Hereditary; Tumor predisposition; Hereditary neoplastic syndrome. Identifiers: Orphanet 140162, MedGen C0027672, MeSH D009386, MONDO:0015356.
Hereditary breast ovarian cancer syndrome. Also called: BRCA1- and BRCA2-Associated Hereditary Breast and Ovarian Cancer; Hereditary breast and/or ovarian cancer syndrome; Hereditary breast and ovarian cancer; Hereditary breast and ovarian cancer syndrome (HBOC); Breast and ovarian cancer; Hereditary breast and ovarian cancer syndrome. Identifiers: Orphanet 145, MedGen C0677776, MeSH D061325, MONDO:0003582. Disease mechanism: loss of function.

Submissions (3):

Catlab - Consorci Sanitari de Terrassa
Classification: Uncertain significance for Hereditary cancer-predisposing syndrome. Last evaluated: 2026-01-18. Review status: criteria provided, single submitter. Criteria: ClinGen BRCA1BRCA2 ACMG Specifications BRCA2 V1.2.0. Collection method: clinical testing. Allele origin: germline.
Comment: Based on the currently available information, this variant is classified as Uncertain Significance according to ClinGen-BRCA2 v1.2.0 guidelines. ACMG criteria: PM2_supp, BP4.

Ambry Genetics
Classification: Likely benign for Hereditary cancer-predisposing syndrome. Last evaluated: 2025-05-16. Review status: criteria provided, single submitter. Criteria: Ambry Variant Classification Scheme 2023. Collection method: clinical testing. Allele origin: germline.

Labcorp Genetics (formerly Invitae), Labcorp
Classification: Uncertain significance for Hereditary breast ovarian cancer syndrome. Last evaluated: 2021-08-28. Review status: criteria provided, single submitter. Criteria: Invitae Variant Classification Sherloc (09022015). Collection method: clinical testing. Allele origin: germline.
Comment: This sequence change replaces valine with leucine at codon 2716 of the BRCA2 protein (p.Val2716Leu). The valine residue is weakly conserved and there is a small physicochemical difference between valine and leucine. This variant is not present in population databases (ExAC no frequency). This variant has not been reported in the literature in individuals affected with BRCA2-related conditions. Advanced modeling of protein sequence and biophysical properties (such as structural, functional, and spatial information, amino acid conservation, physicochemical variation, residue mobility, and thermodynamic stability) performed at Invitae indicates that this missense variant is not expected to disrupt BRCA2 protein function. In summary, the available evidence is currently insufficient to determine the role of this variant in disease. Therefore, it has been classified as a Variant of Uncertain Significance.

NM_000059.4(BRCA2):c.8146G>C (p.Val2716Leu)

Gene: BRCA2 (BRCA2 DNA repair associated; plus strand). Cytogenetic location: 13q13.1.
Variant type: single nucleotide variant.
Coding change: c.8146G>C on transcript NM_000059.4 (MANE Select); coding-DNA position 8146, G replaced by C.
Protein change: p.Val2716Leu; replaces valine 2716 with leucine.
Molecular consequence: missense variant.
Genome position (GRCh38, 1-based): chr13:32,363,348, G>C. VCF-style: chr13-32363348-G-C. GRCh37 (hg19) VCF-style: chr13-32937485-G-C.
Other names: c.8146G>C (NM_000059.3); short protein forms V2716L.
Identifiers: ClinVar variation 1476624 (VCV001476624.8), dbSNP rs777094216, ClinGen allele CA387749501.